The following is an entry in ClinVar:

NM_000137.4(FAH):c.1235T>A (p.Val412Glu)

Gene: FAH (fumarylacetoacetate hydrolase; plus strand). Cytogenetic location: 15q25.1.
Variant type: single nucleotide variant.
Coding change: c.1235T>A on transcript NM_000137.4 (MANE Select); coding-DNA position 1235, T replaced by A.
Protein change: p.Val412Glu; replaces valine 412 with glutamic acid.
Molecular consequence: missense variant.
Genome position (GRCh38, 1-based): chr15:80,186,184, T>A. VCF-style: chr15-80186184-T-A. GRCh37 (hg19) VCF-style: chr15-80478526-T-A.
Other names: c.1235T>A, p.Val412Glu (NM_001374377.1, NM_001374380.1); short protein forms V412E.
Identifiers: ClinVar variation 1388069 (VCV001388069.6), dbSNP rs2142112670, ClinGen allele CA393622244.

ClinVar aggregate classification (germline): Pathogenic (1 of 4 stars; one submission).

Conditions:
Tyrosinemia type I (TYRSN1). Also called: Tyrosinemia type 1; Fumarylacetoacetase deficiency; Deficiency of fumarylacetoacetase; HEPATORENAL TYROSINEMIA; FAH DEFICIENCY. Identifiers: Orphanet 882, MedGen C0268490, MONDO:0010161, OMIM 276700. Disease mechanism: loss of function.

Submission:

Labcorp Genetics (formerly Invitae), Labcorp
Classification: Pathogenic for Tyrosinemia type I. Last evaluated: 2022-03-23. Review status: criteria provided, single submitter. Criteria: Invitae Variant Classification Sherloc (09022015). Collection method: clinical testing. Allele origin: germline.
Comment: This sequence change replaces valine, which is neutral and non-polar, with glutamic acid, which is acidic and polar, at codon 412 of the FAH protein (p.Val412Glu). This variant is not present in population databases (gnomAD no frequency). For these reasons, this variant has been classified as Pathogenic. Advanced modeling of protein sequence and biophysical properties (such as structural, functional, and spatial information, amino acid conservation, physicochemical variation, residue mobility, and thermodynamic stability) performed at Invitae indicates that this missense variant is expected to disrupt FAH protein function. This missense change has been observed in individual(s) with tyrosinemia type I (Invitae).